The following is an entry in ClinVar:

ClinVar aggregate classification (germline): Uncertain significance (1 of 4 stars; one submission).

Conditions:
EGFR-related lung cancer (EGFR). Identifiers: MedGen CN130014.

Submission:

Labcorp Genetics (formerly Invitae), Labcorp
Classification: Uncertain significance for EGFR-related lung cancer. Last evaluated: 2021-08-06. Review status: criteria provided, single submitter. Criteria: Invitae Variant Classification Sherloc (09022015). Collection method: clinical testing. Allele origin: germline.
Comment: This sequence change replaces aspartic acid with glycine at codon 807 of the EGFR protein (p.Asp807Gly). The aspartic acid residue is highly conserved and there is a moderate physicochemical difference between aspartic acid and glycine. This variant is not present in population databases (ExAC no frequency). This variant has not been reported in the literature in individuals affected with EGFR-related conditions. Algorithms developed to predict the effect of missense changes on protein structure and function are either unavailable or do not agree on the potential impact of this missense change (SIFT: "Deleterious"; PolyPhen-2: "Possibly Damaging"; Align-GVGD: "Class C0"). In summary, the available evidence is currently insufficient to determine the role of this variant in disease. Therefore, it has been classified as a Variant of Uncertain Significance.

NM_005228.5(EGFR):c.2420A>G (p.Asp807Gly)

Genes: EGFR (epidermal growth factor receptor; plus strand), EGFR-AS1 (EGFR antisense RNA 1; minus strand). Cytogenetic location: 7p11.2.
Variant type: single nucleotide variant.
Coding change: c.2420A>G on transcript NM_005228.5 (MANE Select); coding-DNA position 2420, A replaced by G.
Protein change: p.Asp807Gly; replaces aspartic acid 807 with glycine.
Molecular consequence: missense variant. On other transcripts: non-coding transcript variant (1).
Genome position (GRCh38, 1-based): chr7:55,181,429, A>G. VCF-style: chr7-55181429-A-G. GRCh37 (hg19) VCF-style: chr7-55249122-A-G.
Other names: c.2285A>G, p.Asp762Gly (NM_001346897.2, NM_001346899.2); c.2420A>G, p.Asp807Gly (NM_001346898.2); c.2261A>G, p.Asp754Gly (NM_001346900.2); c.1619A>G, p.Asp540Gly (NM_001346941.2); short protein forms D762G, D807G, D540G, D754G.
Identifiers: ClinVar variation 1510771 (VCV001510771.6), dbSNP rs2128958772, ClinGen allele CA367578963.
Genomic context (GRCh38, chr7:55,181,429, plus strand): 5'-AGCTCATCACGCAGCTCATGCCCTTCGGCTGCCTCCTGGACTATGTCCGGGAACACAAAG[A>G]CAATATTGGCTCCCAGTACCTGCTCAACTGGTGTGTGCAGATCGCAAAGGTAATCAGGGA-3'
Protein context (NP_005219.2, residues 797-817): CLLDYVREHK[Asp807Gly]NIGSQYLLNW